The following is an entry in ClinVar:

ClinVar aggregate classification (germline): Uncertain significance (1 of 4 stars; one submission).

Submission:

GeneDx
Classification: Uncertain significance. Last evaluated: 2022-08-19. Review status: criteria provided, single submitter. Criteria: GeneDx Variant Classification Process June 2021. Collection method: clinical testing. Allele origin: germline. Affected: yes.
Comment: Not observed at significant frequency in large population cohorts (gnomAD); In silico analysis supports a deleterious effect on splicing; In silico analysis supports that this missense variant has a deleterious effect on protein structure/function; Has not been previously published as pathogenic or benign to our knowledge; This variant is associated with the following publications: (PMID: 26986877)

NM_005654.6(NR2F1):c.448G>A (p.Gly150Ser)

Genes: NR2F1 (nuclear receptor subfamily 2 group F member 1; plus strand), NR2F1-AS1 (NR2F1 regulatory antisense RNA 1; minus strand). Cytogenetic location: 5q15.
Variant type: single nucleotide variant.
Coding change: c.448G>A on transcript NM_005654.6 (MANE Select); coding-DNA position 448, G replaced by A.
Protein change: p.Gly150Ser; replaces glycine 150 with serine.
Molecular consequence: missense variant.
Genome position (GRCh38, 1-based): chr5:93,585,471, G>A. VCF-style: chr5-93585471-G-A. GRCh37 (hg19) VCF-style: chr5-92921177-G-A.
Other names: short protein forms G150S.
Identifiers: ClinVar variation 2430532 (VCV002430532.1), dbSNP rs2480802510, ClinGen allele CA360526314.
Genomic context (GRCh38, chr5:93,585,471, plus strand): 5'-ATCGACCAGCACCACCGCAACCAGTGCCAATACTGCCGCCTCAAGAAGTGCCTCAAAGTG[G>A]GCATGAGGCGGGAAGGTGAATATTTCTTCTCTGCTTCTCTCCCCGCGCTTCGCCCGCCTC-3'
Protein context (NP_005645.1, residues 140-160): YCRLKKCLKV[Gly150Ser]MRREAVQRGR